The following is an entry in ClinVar:

ClinVar aggregate classification (germline): Likely pathogenic (1 of 4 stars; one submission).

Conditions:
Epilepsy, familial temporal lobe, 1. Identifiers: Orphanet 101046, MedGen CN030884, MONDO:0700090, OMIM 600512.

Submission:

Solve-RD Consortium
Classification: Likely pathogenic for Epilepsy, familial temporal lobe, 1. Review status: criteria provided, single submitter. Criteria: ACMG Guidelines, 2015. Collection method: provider interpretation. Allele origin: germline. Inheritance: Autosomal dominant inheritance. Affected: yes. Study: Solve-RD DIFT-EpiCARE reanalysis.
Comment: PVS1, PM2

Variant identified during reanalysis of unsolved cases by the Solve-RD project. The Solve-RD project has received funding from the European Union’s Horizon 2020 research and innovation programme under grant agreement No 779257.

NM_005097.4(LGI1):c.126C>A (p.Cys42Ter)

Gene: LGI1 (leucine rich glioma inactivated 1; plus strand). Cytogenetic location: 10q23.33.
Variant type: single nucleotide variant.
Coding change: c.126C>A on transcript NM_005097.4 (MANE Select); coding-DNA position 126, C replaced by A.
Protein change: p.Cys42Ter; replaces cysteine 42 with a stop codon.
Molecular consequence: nonsense. On other transcripts: non-coding transcript variant (1).
Genome position (GRCh38, 1-based): chr10:93,758,270, C>A. VCF-style: chr10-93758270-C-A. GRCh37 (hg19) VCF-style: chr10-95518027-C-A.
Other names: c.126C>A, p.Cys42Ter (NM_001308275.2, NM_001308276.2); short protein forms C42*.
Identifiers: ClinVar variation 4890770 (VCV004890770.1).
Genomic context (GRCh38, chr10:93,758,270, plus strand): 5'-CCTATGTCTCTTATCTGCGCTTTTGCTGACTGAGGGGAAGAAACCAGCGAAGCCAAAATG[C>A]CCTGCCGTGTGTACTTGTACCAAAGATAATGCTTTATGTGAGAATGCCAGATCCATTCCA-3'